The following is an entry in ClinVar:

ClinVar aggregate classification (germline): Likely pathogenic (1 of 4 stars; one submission).

gnomAD v4.1: 1 of 1,606,110 alleles (0.000062%); highest among the groups gnomAD compares: Non-Finnish European, 0.000085%; no homozygotes.

Submission:

GeneDx
Classification: Likely pathogenic. Last evaluated: 2023-12-12. Review status: criteria provided, single submitter. Criteria: GeneDx Variant Classification Process June 2021. Collection method: clinical testing. Allele origin: germline. Affected: yes.
Comment: Canonical splice site variant predicted to result in a null allele in a gene for which loss of function is a known mechanism of disease; Not observed at significant frequency in large population cohorts (gnomAD); Has not been previously published as pathogenic or benign to our knowledge; This variant is associated with the following publications: (PMID: 31163360)

NM_005422.4(TECTA):c.1774+1G>A

Genes: TBCEL-TECTA (TBCEL-TECTA readthrough; plus strand), TECTA (tectorin alpha; plus strand). Cytogenetic location: 11q23.3.
Variant type: single nucleotide variant.
Coding change: c.1774+1G>A on transcript NM_005422.4 (MANE Select); the canonical splice donor site of the intron after coding-DNA position 1774, G replaced by A.
Molecular consequence: splice donor variant.
Genome position (GRCh38, 1-based): chr11:121,125,873, G>A. VCF-style: chr11-121125873-G-A. GRCh37 (hg19) VCF-style: chr11-120996582-G-A.
Other names: c.2731+1G>A (NM_001378761.1).
Identifiers: ClinVar variation 3340717 (VCV003340717.1).
Genomic context (GRCh38, chr11:121,125,873, plus strand): 5'-CTCTTGTGTGCCAAGCCCTTGGCATTCCAATTGGAGACTGGCGAACCCAGACTGGGTGTG[G>A]TAAGCTGGCATCCCATCCCCATGACAGGTCTCTCTTGTGCAGGGGGCAGGGATAGGCTTT-3'